The following is an entry in ClinVar:

NM_001130021.3(ATP6V0A1):c.1663A>T (p.Ser555Cys)

Gene: ATP6V0A1 (ATPase H+ transporting V0 subunit a1; plus strand). Cytogenetic location: 17q21.2.
Variant type: single nucleotide variant.
Coding change: c.1663A>T on transcript NM_001130021.3 (MANE Select); coding-DNA position 1663, A replaced by T.
Protein change: p.Ser555Cys; replaces serine 555 with cysteine.
Molecular consequence: missense variant.
Genome position (GRCh38, 1-based): chr17:42,499,026, A>T. VCF-style: chr17-42499026-A-T. GRCh37 (hg19) VCF-style: chr17-40651044-A-T.
Other names: c.1684A>T, p.Ser562Cys (NM_001378534.1, NM_001378539.1, NM_001378541.1 and 3 more transcripts); c.1663A>T, p.Ser555Cys (NM_001378535.1, NM_001378537.1, NM_001378542.1 and 3 more transcripts); c.1555A>T, p.Ser519Cys (NM_001378536.1, NM_001378556.1, NM_001378550.1); c.1534A>T, p.Ser512Cys (NM_001378538.1, NM_001378540.1); c.1786A>T, p.Ser596Cys (NM_001378530.1, NM_001378533.1, NM_001378551.1 and 1 more transcripts); c.1807A>T, p.Ser603Cys (NM_001378531.1, NM_001378532.1); c.1453A>T, p.Ser485Cys (NM_001378554.1, NM_001378545.1); c.1504A>T, p.Ser502Cys (NM_001378543.1); and 3 more; short protein forms S473C, S484C, S485C, S495C, S502C, S512C, S519C, S555C.
Identifiers: ClinVar variation 5039522 (VCV005039522.1).

ClinVar aggregate classification (germline): Uncertain significance (1 of 4 stars; one submission).

gnomAD v4.1: 3 of 1,606,174 alleles (0.00019%); highest among the groups gnomAD compares: African/African-American, 0.0013%; no homozygotes.

Submission:

CeGaT Center for Human Genetics Tuebingen
Classification: Uncertain significance. Last evaluated: 2026-07-01. Review status: criteria provided, single submitter. Criteria: CeGaT Center For Human Genetics Tuebingen Variant Classification Criteria Version 2. Collection method: clinical testing. Allele origin: germline. Affected: yes. Observed: 1 variant allele.
Comment: ATP6V0A1: PM2